The following is an entry in ClinVar:

ClinVar aggregate classification (germline): Pathogenic (1 of 4 stars; one submission).

Submission:

Labcorp Genetics (formerly Invitae), Labcorp
Classification: Pathogenic. Last evaluated: 2024-08-31. Review status: criteria provided, single submitter. Criteria: Invitae Variant Classification Sherloc (09022015). Collection method: clinical testing. Allele origin: germline.
Comment: This sequence change creates a premature translational stop signal (p.Leu187Profs*28) in the COX15 gene. It is expected to result in an absent or disrupted protein product. Loss-of-function variants in COX15 are known to be pathogenic (PMID: 15863660, 21412973). This variant is present in population databases (no rsID available, gnomAD 0.0009%). This variant has not been reported in the literature in individuals affected with COX15-related conditions. For these reasons, this variant has been classified as Pathogenic.

Literature cited by the submitters: PubMed 15863660; PubMed 21412973.

NM_078470.6(COX15):c.559dup (p.Leu187fs)

Gene: COX15 (cytochrome c oxidase assembly factor COX15; minus strand). Cytogenetic location: 10q24.2.
Variant type: Duplication.
Coding change: c.559dup on transcript NM_078470.6 (MANE Select); coding-DNA position 559, one base duplicated (C; older notation c.559dupC).
Protein change: p.Leu187fs; shifts the reading frame from leucine 187.
Molecular consequence: frameshift variant. On other transcripts: non-coding transcript variant (1).
Genome position (GRCh38, 1-based): chr10:99,726,991, G duplicated on the plus strand (C on the coding strand, the reverse complement: COX15 is on the minus strand); the first of 3 consecutive G bases (chr10:99,726,991-99,726,993); duplicating any one gives the same sequence. VCF-style (leftmost placement, unchanged base first): chr10-99726990-A-AG. GRCh37 (hg19) VCF-style: chr10-101486747-A-AG.
Other names: c.559dup, p.Leu187fs (NM_001320974.2, NM_001320975.2, NM_001372024.1 and 5 more transcripts); c.22dup, p.Leu8fs (NM_001320976.2); short protein forms L8fs, L187fs.
Identifiers: ClinVar variation 2984566 (VCV002984566.4), dbSNP rs1329751426, ClinGen allele CA595642363.
Genomic context (GRCh38, chr10:99,726,990, plus strand): 5'-GGAGCATTTCTGGTTTCTCAACCTTGAATAAATCTTACCTGGAAGCAGACGAGGCCACAG[A>AG]GGGCAAGAACACGTCCTTTCATGCCACGGCTGAGCCAGCCCTTTCTCCAAAAGTAGGCAG-3'